The following is an entry in ClinVar:

NM_198576.4(AGRN):c.5071G>A (p.Val1691Met)

Gene: AGRN (agrin; plus strand). Cytogenetic location: 1p36.33.
Variant type: single nucleotide variant.
Coding change: c.5071G>A on transcript NM_198576.4 (MANE Select); coding-DNA position 5071, G replaced by A.
Protein change: p.Val1691Met; replaces valine 1691 with methionine.
Molecular consequence: missense variant.
Genome position (GRCh38, 1-based): chr1:1,050,521, G>A. VCF-style: chr1-1050521-G-A. GRCh37 (hg19) VCF-style: chr1-985901-G-A.
Other names: c.5071G>A, p.Val1691Met (NM_001305275.2); c.4756G>A, p.Val1586Met (NM_001364727.2); short protein forms V1691M, V1586M.
Identifiers: ClinVar variation 541154 (VCV000541154.7), dbSNP rs752964147, ClinGen allele CA509836.

ClinVar aggregate classification (germline): Uncertain significance. Review status: criteria provided, multiple submitters, no conflicts (2 of 4 stars). 2 submissions from 2 submitters: Uncertain significance (2). Last evaluated 2024-02-28.

Conditions:
Congenital myasthenic syndrome 8. Also called: Myasthenic syndrome, congenital, 8, with pre- and postsynaptic defects; MYASTHENIC SYNDROME, CONGENITAL, DUE TO AGRIN DEFICIENCY. Identifiers: Orphanet 590, MedGen C3808739, MONDO:0014052, OMIM 615120.
Inborn genetic diseases. Identifiers: MedGen C0950123, MeSH D030342.

Allele frequency attached by ClinVar (database versions not stated): TOPMed 0.00001; ExAC 0.00002; gnomAD 0.00002 and 0.00003.
gnomAD v4.1: 29 of 1,612,756 alleles (0.0018%); highest among the groups gnomAD compares: Admixed American, 0.01%; no homozygotes.

Submissions (2):

Ambry Genetics
Classification: Uncertain significance for Inborn genetic diseases. Last evaluated: 2024-02-28. Review status: criteria provided, single submitter. Criteria: Ambry Variant Classification Scheme 2023. Collection method: clinical testing. Allele origin: germline.

Labcorp Genetics (formerly Invitae), Labcorp
Classification: Uncertain significance for Congenital myasthenic syndrome 8. Last evaluated: 2022-08-23. Review status: criteria provided, single submitter. Criteria: Invitae Variant Classification Sherloc (09022015). Collection method: clinical testing. Allele origin: germline.
Comment: This sequence change replaces valine, which is neutral and non-polar, with methionine, which is neutral and non-polar, at codon 1691 of the AGRN protein (p.Val1691Met). This variant is present in population databases (rs752964147, gnomAD 0.01%). This variant has not been reported in the literature in individuals affected with AGRN-related conditions. ClinVar contains an entry for this variant (Variation ID: 541154). Algorithms developed to predict the effect of missense changes on protein structure and function are either unavailable or do not agree on the potential impact of this missense change (SIFT: "Deleterious"; PolyPhen-2: "Probably Damaging"; Align-GVGD: "Class C0"). In summary, the available evidence is currently insufficient to determine the role of this variant in disease. Therefore, it has been classified as a Variant of Uncertain Significance.